The following is an entry in ClinVar:

ClinVar aggregate classification (germline): Likely benign. Review status: criteria provided, multiple submitters, no conflicts (2 of 4 stars). 3 submissions from 3 submitters: Likely benign (3). Last evaluated 2026-07-28.

Conditions:
MMUT-related disorder. Also called: MMUT-related condition.
Methylmalonic aciduria due to methylmalonyl-CoA mutase deficiency (MAMM). Also called: Methylmalonic aciduria, mut type. Identifiers: Orphanet 27, MedGen C1855114, MONDO:0009612, OMIM 251000.

Allele frequency attached by ClinVar (database versions not stated): gnomAD 0.00004; TOPMed 0.00004; ExAC 0.00007; gnomAD exomes 0.00007; ESP Exome Variant Server 0.00008.
gnomAD v4.1: 43 of 1,604,188 alleles (0.0027%); highest among the groups gnomAD compares: Non-Finnish European, 0.001%; no homozygotes.

Submissions (3):

PreventionGenetics, part of Exact Sciences
Classification: Likely benign for MMUT-related condition. Last evaluated: 2026-07-28. Review status: criteria provided, single submitter. Criteria: ACMG Guidelines, 2015. Collection method: clinical testing. Allele origin: germline.
Comment: This variant is classified as likely benign based on ACMG/AMP sequence variant interpretation guidelines (Richards et al. 2015 PMID: 25741868, with internal and published modifications).

Labcorp Genetics (formerly Invitae), Labcorp
Classification: Likely benign. Last evaluated: 2025-12-19. Review status: criteria provided, single submitter. Criteria: Invitae Variant Classification Sherloc (09022015). Collection method: clinical testing. Allele origin: germline.

Fulgent Genetics
Classification: Likely benign for Methylmalonic aciduria due to methylmalonyl-CoA mutase deficiency. Last evaluated: 2022-01-07. Review status: criteria provided, single submitter. Criteria: ACMG Guidelines, 2015. Collection method: clinical testing. Allele origin: unknown.

NM_000255.4(MMUT):c.756C>T (p.His252=)

Gene: MMUT (methylmalonyl-CoA mutase; minus strand). Cytogenetic location: 6p12.3.
Variant type: single nucleotide variant.
Coding change: c.756C>T on transcript NM_000255.4 (MANE Select); coding-DNA position 756, C replaced by T.
Protein change: p.His252=; no amino-acid change (histidine 252 retained).
Molecular consequence: synonymous variant.
Genome position (GRCh38, 1-based): chr6:49,456,235, G>A on the plus strand (C>T on the coding strand, the complement: MMUT is on the minus strand). VCF-style: chr6-49456235-G-A. GRCh37 (hg19) VCF-style: chr6-49423948-G-A.
Other names: c.756C>T (NM_000255.3).
Identifiers: ClinVar variation 1154630 (VCV001154630.11), dbSNP rs376716145, ClinGen allele CA3847036.